The following is an entry in ClinVar:

NM_144701.3(IL23R):c.395C>T (p.Thr132Ile)

Gene: IL23R (interleukin 23 receptor; plus strand). Cytogenetic location: 1p31.3.
Variant type: single nucleotide variant.
Coding change: c.395C>T on transcript NM_144701.3 (MANE Select); coding-DNA position 395, C replaced by T.
Protein change: p.Thr132Ile; replaces threonine 132 with isoleucine.
Molecular consequence: missense variant.
Genome position (GRCh38, 1-based): chr1:67,182,863, C>T. VCF-style: chr1-67182863-C-T. GRCh37 (hg19) VCF-style: chr1-67648546-C-T.
Other names: c.395C>T (NM_144701.2); short protein forms T132I.
Identifiers: ClinVar variation 2160162 (VCV002160162.6), dbSNP rs773141807, ClinGen allele CA899705.

ClinVar aggregate classification (germline): Uncertain significance. Review status: criteria provided, multiple submitters, no conflicts (2 of 4 stars). 2 submissions from 2 submitters: Uncertain significance (2). Last evaluated 2025-07-23.

Allele frequency attached by ClinVar (database versions not stated): ExAC 0.00001.

Submissions (2):

Labcorp Genetics (formerly Invitae), Labcorp
Classification: Uncertain significance. Last evaluated: 2025-07-23. Review status: criteria provided, single submitter. Criteria: Invitae Variant Classification Sherloc (09022015). Collection method: clinical testing. Allele origin: germline.
Comment: This sequence change replaces threonine, which is neutral and polar, with isoleucine, which is neutral and non-polar, at codon 132 of the IL23R protein (p.Thr132Ile). This variant is present in population databases (rs773141807, gnomAD 0.0009%). This variant has not been reported in the literature in individuals affected with IL23R-related conditions. ClinVar contains an entry for this variant (Variation ID: 2160162). An algorithm developed to predict the effect of missense changes on protein structure and function (PolyPhen-2) suggests that this variant is likely to be disruptive. In summary, the available evidence is currently insufficient to determine the role of this variant in disease. Therefore, it has been classified as a Variant of Uncertain Significance.

Ambry Genetics
Classification: Uncertain significance. Last evaluated: 2023-07-25. Review status: criteria provided, single submitter. Criteria: Ambry Variant Classification Scheme 2023. Collection method: clinical testing. Allele origin: germline.